The following is an entry in ClinVar:

ClinVar aggregate classification (germline): Likely pathogenic (1 of 4 stars; one submission).

Conditions:
Congenital multicore myopathy with external ophthalmoplegia (CMYO1B). Also called: MULTIMINICORE DISEASE WITH EXTERNAL OPHTHALMOPLEGIA; Minicore myopathy with external ophthalmoplegia; Congenital myopathy 1B, autosomal recessive; Minicore myopathy; MULTICORE MYOPATHY. Identifiers: Orphanet 598, Orphanet 98905, MedGen C1850674, MONDO:0009712, OMIM 255320, HP:0003789.

gnomAD v4.1: 2 of 1,613,494 alleles (0.00012%); highest among the groups gnomAD compares: East Asian, 0.0045%; no homozygotes.

Submission:

Juno Genomics, Hangzhou Juno Genomics, Inc
Classification: Likely pathogenic for Congenital multicore myopathy with external ophthalmoplegia. Review status: criteria provided, single submitter. Criteria: ACMG Guidelines, 2015. Collection method: clinical testing. Allele origin: germline.
Comment: Absent from controls (or at extremely low frequency if recessive) in Genome Aggregation Database.;Multiple lines of computational evidence support a deleterious effect on the gene or gene product.;Missense variant in a gene that has a low rate of benign missense variation.

NM_000540.3(RYR1):c.14318A>G (p.Asp4773Gly)

Gene: RYR1 (ryanodine receptor 1; plus strand). Cytogenetic location: 19q13.2.
Variant type: single nucleotide variant.
Coding change: c.14318A>G on transcript NM_000540.3 (MANE Select); coding-DNA position 14318, A replaced by G.
Protein change: p.Asp4773Gly; replaces aspartic acid 4773 with glycine.
Molecular consequence: missense variant.
Genome position (GRCh38, 1-based): chr19:38,578,158, A>G. VCF-style: chr19-38578158-A-G. GRCh37 (hg19) VCF-style: chr19-39068798-A-G.
Other names: c.14303A>G, p.Asp4768Gly (NM_001042723.2); short protein forms D4773G, D4768G.
Identifiers: ClinVar variation 5005990 (VCV005005990.2).
Genomic context (GRCh38, chr19:38,578,158, plus strand): 5'-CTGGAGTCTGACACTCAAGCATCTCTCCCCACCCCCGCCCCCACAGGCTCATGTCCATCG[A>G]TGTCAAGTACCAGATCTGGAAGTTCGGGGTCATCTTCACAGACAACGTGAGCAGGGGCCC-3'
Protein context (NP_000531.2, residues 4763-4783): PGLLTWLMSI[Asp4773Gly]VKYQIWKFGV